The following is an entry in ClinVar:

ClinVar aggregate classification (germline): Benign/Likely benign. Review status: criteria provided, multiple submitters, no conflicts (2 of 4 stars). 18 submissions from 15 submitters: Benign (8); Likely benign (8). 2 of the submissions do not count toward it. Last evaluated 2026-10-01.

Conditions:
Dyskeratosis congenita, autosomal dominant 2. Identifiers: MedGen C3151443, MONDO:0013521, OMIM 613989.
Idiopathic Pulmonary Fibrosis. Also called: Idiopathic fibrosing alveolitis, chronic form; idiopathic fibrosing alveolitis. Identifiers: Orphanet 2032, MedGen C1800706, MeSH D054990, MONDO:0800504.
Melanoma, cutaneous malignant, susceptibility to, 9. Also called: Cutaneous malignant melanoma 9. Identifiers: Orphanet 618, MedGen C3554574, MONDO:0014056, OMIM 615134.
Pulmonary fibrosis and/or bone marrow failure, Telomere-related, 1. Also called: PULMONARY FIBROSIS AND/OR BONE MARROW FAILURE SYNDROME, TELOMERE-RELATED, 1. Identifiers: Orphanet 88, MedGen C3553617, MONDO:0013878, OMIM 614742.
Dyskeratosis congenita. Identifiers: Orphanet 1775, MedGen C0265965, MONDO:0015780.
Acute myeloid leukemia (AML). Also called: Acute myeloid leukemia, adult; AML adult; Acute non-lymphocytic leukemia; Acute granulocytic leukemia; Leukemia, acute myeloid, somatic; Leukemia, acute myelogenous, somatic. Identifiers: Orphanet 519, MedGen C0023467, MeSH D015470, MONDO:0018874, OMIM 601626, HP:0004808. Disease mechanism: Constitutively activated FLT3.
Aplastic anemia. Identifiers: Orphanet 182040, Orphanet 88, MedGen C0002874, MONDO:0015909, OMIM 609135, HP:0001915.

Allele frequency attached by ClinVar (database versions not stated): TOPMed 0.00123; ESP Exome Variant Server 0.00154; gnomAD 0.00178 and 0.00195; 1000 Genomes Project 30x 0.00219; 1000 Genomes Project 0.00220.
gnomAD v4.1: 3,755 of 1,613,422 alleles (0.23%); highest among the groups gnomAD compares: South Asian, 0.78%; 16 homozygotes.

Submissions (18):

CeGaT Center for Human Genetics Tuebingen
Classification: Likely benign. Last evaluated: 2026-10-01. Review status: criteria provided, single submitter. Criteria: CeGaT Center For Human Genetics Tuebingen Variant Classification Criteria Version 2. Collection method: clinical testing. Allele origin: germline. Affected: yes. Observed: 23 variant alleles.
Comment: TERT: BP4, BP7

Labcorp Genetics (formerly Invitae), Labcorp
Classification: Benign for Dyskeratosis congenita, autosomal dominant 2; Idiopathic Pulmonary Fibrosis. Last evaluated: 2026-01-26. Review status: criteria provided, single submitter. Criteria: Invitae Variant Classification Sherloc (09022015). Collection method: clinical testing. Allele origin: germline.

Mayo Clinic Laboratories, Mayo Clinic
Classification: Benign. Last evaluated: 2025-07-23. Review status: criteria provided, single submitter. Criteria: ACMG Guidelines, 2015. Collection method: clinical testing. Allele origin: germline. Observed: 8 variant alleles.
Comment: BS1, BS2, BP4, BP7

ARUP Laboratories, Molecular Genetics and Genomics, ARUP Laboratories
Classification: Benign. Last evaluated: 2025-07-21. Review status: criteria provided, single submitter. Criteria: ARUP Molecular Germline Variant Investigation Process 2024. Collection method: clinical testing. Allele origin: germline.

KCCC/NGS Laboratory, Kuwait Cancer Control Center
Classification: Benign for Melanoma, cutaneous malignant, susceptibility to, 9. Last evaluated: 2025-02-01. Review status: criteria provided, single submitter. Criteria: ACMG Guidelines, 2015. Collection method: clinical testing. Allele origin: germline. Affected: no.

Blueprint Genetics
Classification: Likely benign. Last evaluated: 2024-11-26. Review status: criteria provided, single submitter. Criteria: ACMG Guidelines, 2015. Collection method: clinical testing. Allele origin: germline.

KCCC/NGS Laboratory, Kuwait Cancer Control Center
Classification: Benign for Acute myeloid leukemia. Last evaluated: 2023-07-07. Review status: criteria provided, single submitter. Criteria: ACMG Guidelines, 2015. Collection method: clinical testing. Allele origin: germline. Affected: yes.

Sema4
Classification: Benign for Dyskeratosis congenita. Last evaluated: 2020-10-16. Review status: criteria provided, single submitter. Criteria: Sema4 Curation Guidelines. Collection method: curation. Allele origin: germline.

Johns Hopkins Genomics, Johns Hopkins University
Classification: Likely benign for Dyskeratosis congenita, autosomal dominant 2. Last evaluated: 2019-03-25. Review status: criteria provided, single submitter. Criteria: ACMG Guidelines, 2015. Collection method: clinical testing. Allele origin: germline.

Illumina Laboratory Services, Illumina
Classification: Benign for Pulmonary fibrosis and/or bone marrow failure, Telomere-related, 1. Last evaluated: 2018-01-13. Review status: criteria provided, single submitter. Criteria: ICSL Variant Classification Criteria 13 December 2019. Collection method: clinical testing. Allele origin: germline.
Comment: This variant was observed in the ICSL laboratory as part of a predisposition screen in an ostensibly healthy population. It had not been previously curated by ICSL or reported in the Human Gene Mutation Database (HGMD: prior to June 1st, 2018), and was therefore a candidate for classification through an automated scoring system. Utilizing variant allele frequency, disease prevalence and penetrance estimates, and inheritance mode, an automated score was calculated to assess if this variant is too frequent to cause the disease. Based on the score and internal cut-off values, a variant classified as benign is not then subjected to further curation. The score for this variant resulted in a classification of benign for this disease.

Illumina Laboratory Services, Illumina
Classification: Likely benign for Dyskeratosis congenita, autosomal dominant 2. Last evaluated: 2018-01-13. Review status: criteria provided, single submitter. Criteria: ICSL Variant Classification Criteria 13 December 2019. Collection method: clinical testing. Allele origin: germline.
Comment: This variant was observed in the ICSL laboratory as part of a predisposition screen in an ostensibly healthy population. It had not been previously curated by ICSL or reported in the Human Gene Mutation Database (HGMD: prior to June 1st, 2018), and was therefore a candidate for classification through an automated scoring system. Utilizing variant allele frequency, disease prevalence and penetrance estimates, and inheritance mode, an automated score was calculated to assess if this variant is too frequent to cause the disease. Based on the score and internal cut-off values, a variant classified as likely benign is not then subjected to further curation. The score for this variant resulted in a classification of likely benign for this disease.

Illumina Laboratory Services, Illumina
Classification: Likely benign for Aplastic anemia. Last evaluated: 2018-01-13. Review status: criteria provided, single submitter. Criteria: ICSL Variant Classification Criteria 13 December 2019. Collection method: clinical testing. Allele origin: germline.
Comment: the same text as in the submission from Illumina Laboratory Services, Illumina above.

Ambry Genetics
Classification: Benign for Dyskeratosis congenita. Last evaluated: 2016-09-21. Review status: criteria provided, single submitter. Criteria: Ambry Variant Classification Scheme 2023. Collection method: clinical testing. Allele origin: germline.

Genetic Services Laboratory, University of Chicago
Classification: Likely benign. Last evaluated: 2015-11-19. Review status: criteria provided, single submitter. Criteria: ACMG Guidelines, 2015. Collection method: clinical testing. Allele origin: germline. Affected: no.

Breakthrough Genomics
Classification: Likely benign. Review status: criteria provided, single submitter. Criteria: ACMG Guidelines, 2015. Collection method: not provided. Allele origin: germline. Inheritance: Autosomal recessive inheritance. Affected: yes.

PreventionGenetics, part of Exact Sciences
Classification: Likely benign. Review status: criteria provided, single submitter. Criteria: ACMG Guidelines, 2015. Collection method: clinical testing. Allele origin: germline.

Clinical Genetics DNA and cytogenetics Diagnostics Lab, Erasmus MC, Erasmus Medical Center
Classification: Likely benign. Review status: no assertion criteria provided. Collection method: clinical testing. Allele origin: germline. Affected: yes. Study: VKGL Data-share Consensus. Not counted in ClinVar's aggregate classification.

Genome Diagnostics Laboratory, University Medical Center Utrecht
Classification: Likely benign. Review status: no assertion criteria provided. Collection method: clinical testing. Allele origin: germline. Affected: yes. Study: VKGL Data-share Consensus. Not counted in ClinVar's aggregate classification.

NM_198253.3(TERT):c.2517G>A (p.Thr839=)

Gene: TERT (telomerase reverse transcriptase; minus strand). Cytogenetic location: 5p15.33.
Variant type: single nucleotide variant.
Coding change: c.2517G>A on transcript NM_198253.3 (MANE Select); coding-DNA position 2517, G replaced by A.
Protein change: p.Thr839=; no amino-acid change (threonine 839 retained).
Molecular consequence: synonymous variant. On other transcripts: non-coding transcript variant (2).
Genome position (GRCh38, 1-based): chr5:1,268,585, C>T on the plus strand (G>A on the coding strand, the complement: TERT is on the minus strand). VCF-style: chr5-1268585-C-T. GRCh37 (hg19) VCF-style: chr5-1268700-C-T.
Other names: p.Thr839=; c.2517G>A, p.Thr839= (NM_001193376.3).
Identifiers: ClinVar variation 263107 (VCV000263107.54), dbSNP rs140124989, ClinGen allele CA3184471.